The following is an entry in ClinVar:

ClinVar aggregate classification (germline): Pathogenic (1 of 4 stars; one submission).

Submission:

Labcorp Genetics (formerly Invitae), Labcorp
Classification: Pathogenic. Last evaluated: 2022-08-20. Review status: criteria provided, single submitter. Criteria: Invitae Variant Classification Sherloc (09022015). Collection method: clinical testing. Allele origin: germline.
Comment: This sequence change creates a premature translational stop signal (p.Ile4595Serfs*11) in the USH2A gene. It is expected to result in an absent or disrupted protein product. Loss-of-function variants in USH2A are known to be pathogenic (PMID: 10729113, 10909849, 20507924, 25649381). This variant is not present in population databases (gnomAD no frequency). This variant has not been reported in the literature in individuals affected with USH2A-related conditions. For these reasons, this variant has been classified as Pathogenic.

Literature cited by the submitters: PubMed 10729113; PubMed 10909849; PubMed 20507924; PubMed 25649381.

NM_206933.4(USH2A):c.13784_13785del (p.Ile4595fs)

Gene: USH2A (usherin; minus strand). Cytogenetic location: 1q41.
Variant type: Microsatellite.
Coding change: c.13784_13785del on transcript NM_206933.4 (MANE Select); coding-DNA positions 13784 to 13785, 2 bases deleted (TA; older notation c.13784_13785delTA).
Protein change: p.Ile4595fs; shifts the reading frame from isoleucine 4595.
Molecular consequence: frameshift variant.
Genome position (GRCh38, 1-based): chr1:215,674,126-215,674,127, TA deleted on the plus strand (TA on the coding strand, the reverse complement: USH2A is on the minus strand); deleting any 2 consecutive bases within chr1:215,674,126-215,674,132 gives the same sequence; the c. name uses the placement nearest the transcript's 3' end. VCF-style (leftmost placement, unchanged base first): chr1-215674125-CTA-C. GRCh37 (hg19) VCF-style: chr1-215847467-CTA-C.
Other names: short protein forms I4595fs.
Identifiers: ClinVar variation 2025077 (VCV002025077.4), dbSNP rs2464892907, ClinGen allele CA2580611223.